The following is an entry in ClinVar:

ClinVar aggregate classification (germline): Likely benign. Review status: criteria provided, single submitter (1 of 4 stars). 2 submissions from 2 submitters: Likely benign (1). 1 of the submissions does not count toward it. Last evaluated 2025-07-07.

Conditions:
YRDC-related disorder. Also called: YRDC-related condition.

Submissions (2):

Labcorp Genetics (formerly Invitae), Labcorp
Classification: Likely benign. Last evaluated: 2025-07-07. Review status: criteria provided, single submitter. Criteria: Invitae Variant Classification Sherloc (09022015). Collection method: clinical testing. Allele origin: germline.

PreventionGenetics, part of Exact Sciences
Classification: Likely benign for YRDC-related condition. Last evaluated: 2020-02-19. Review status: no assertion criteria provided. Collection method: clinical testing. Allele origin: germline. Not counted in ClinVar's aggregate classification.
Comment: This variant is classified as likely benign based on ACMG/AMP sequence variant interpretation guidelines (Richards et al. 2015 PMID: 25741868, with internal and published modifications).

NM_024640.4(YRDC):c.828G>A (p.Ala276=)

Gene: YRDC (yrdC N6-threonylcarbamoyltransferase domain containing; minus strand). Cytogenetic location: 1p34.3.
Variant type: single nucleotide variant.
Coding change: c.828G>A on transcript NM_024640.4 (MANE Select); coding-DNA position 828, G replaced by A.
Protein change: p.Ala276=; no amino-acid change (alanine 276 retained).
Molecular consequence: synonymous variant.
Genome position (GRCh38, 1-based): chr1:37,803,937, C>T on the plus strand (G>A on the coding strand, the complement: YRDC is on the minus strand). VCF-style: chr1-37803937-C-T. GRCh37 (hg19) VCF-style: chr1-38269609-C-T.
Other names: c.828G>A (NM_024640.3).
Identifiers: ClinVar variation 1964443 (VCV001964443.7), dbSNP rs773743074, ClinGen allele CA774690.
Genomic context (GRCh38, chr1:37,803,937, plus strand): 5'-CACATAGTATCCAGCACCAGGTCTTGGGCCTTCCTGCTTCCCAGAGTTTCACAGGTAGGA[C>T]GCATGTGAGGGGAGCAGTCCGTACTTCTGTTGGAGGATGGCTGTAGTACTTTCCAGGGCA-3'
Protein context (NP_078916.3, residues 266-279): QQKYGLLPSH[Ala276=]SYL